The following is an entry in ClinVar:

ClinVar aggregate classification (germline): Uncertain significance (1 of 4 stars; one submission).

gnomAD v4.1: 2 of 1,533,694 alleles (0.00013%); highest among the groups gnomAD compares: South Asian, 0.0012%; no homozygotes.

Submission:

Women's Health and Genetics/Laboratory Corporation of America, LabCorp
Classification: Uncertain significance. Last evaluated: 2025-12-10. Review status: criteria provided, single submitter. Criteria: LabCorp Variant Classification Summary - May 2015. Collection method: clinical testing. Allele origin: germline.
Comment: Variant summary: IDUA c.1189G>C (p.Asp397His) results in a non-conservative amino acid change in the encoded protein sequence. Algorithms developed to predict the effect of missense changes on protein structure and function all suggest that this variant is likely to be disruptive. Several computational tools predict a significant impact on normal splicing: Two predict the variant abolishes a canonical 5' splicing donor site and two predict the variant weakens this site. However, these predictions have yet to be confirmed by functional studies. The variant was absent in 132878 control chromosomes (gnomAD). The available data on variant occurrences in the general population are insufficient to allow any conclusion about variant significance. To our knowledge, no occurrence of c.1189G>C in individuals affected with IDUA-related conditions and no experimental evidence demonstrating its impact on protein function have been reported. No submitters have cited clinical-significance assessments for this variant to ClinVar. Based on the evidence outlined above, the variant was classified as uncertain significance.

NM_000203.5(IDUA):c.1189G>C (p.Asp397His)

Gene: IDUA (alpha-L-iduronidase; plus strand). Cytogenetic location: 4p16.3.
Variant type: single nucleotide variant.
Coding change: c.1189G>C on transcript NM_000203.5 (MANE Select); coding-DNA position 1189, G replaced by C.
Protein change: p.Asp397His; replaces aspartic acid 397 with histidine.
Molecular consequence: missense variant. On other transcripts: non-coding transcript variant (1).
Genome position (GRCh38, 1-based): chr4:1,002,485, G>C. VCF-style: chr4-1002485-G-C. GRCh37 (hg19) VCF-style: chr4-996273-G-C.
Other names: c.793G>C, p.Asp265His (NM_001363576.1); short protein forms D265H, D397H.
Identifiers: ClinVar variation 4688417 (VCV004688417.1).
Genomic context (GRCh38, chr4:1,002,485, plus strand): 5'-CCGCACGTGCAGCTGTTGCGCAAGCCGGTGCTCACGGCCATGGGGCTGCTGGCGCTGCTG[G>C]GTGAGCCGGGGCCGCTGGGGTGGGCCGGCCAGGGCCCTCCAGGCTGGGGAGCGGCTCCTG-3'
Protein context (NP_000194.2, residues 387-407): LTAMGLLALL[Asp397His]EEQLWAEVSQ